The following is an entry in ClinVar:

ClinVar aggregate classification (germline): Uncertain significance (1 of 4 stars; one submission).

Submission:

CeGaT Center for Human Genetics Tuebingen
Classification: Uncertain significance. Last evaluated: 2024-06-01. Review status: criteria provided, single submitter. Criteria: CeGaT Center For Human Genetics Tuebingen Variant Classification Criteria Version 2. Collection method: clinical testing. Allele origin: germline. Affected: yes. Observed: 1 variant allele.
Comment: LRP4: PM2

NM_002334.4(LRP4):c.5465A>G (p.Glu1822Gly)

Genes: LRP4 (LDL receptor related protein 4; minus strand), LRP4-AS1 (LRP4 antisense RNA 1; plus strand). Cytogenetic location: 11p11.2.
Variant type: single nucleotide variant.
Coding change: c.5465A>G on transcript NM_002334.4 (MANE Select); coding-DNA position 5465, A replaced by G.
Protein change: p.Glu1822Gly; replaces glutamic acid 1822 with glycine.
Molecular consequence: missense variant.
Genome position (GRCh38, 1-based): chr11:46,859,236, T>C on the plus strand (A>G on the coding strand, the complement: LRP4 is on the minus strand). VCF-style: chr11-46859236-T-C. GRCh37 (hg19) VCF-style: chr11-46880787-T-C.
Other names: short protein forms E1822G.
Identifiers: ClinVar variation 3251192 (VCV003251192.18), dbSNP rs1940472316.